The following is an entry in ClinVar:

NM_018249.6(CDK5RAP2):c.1139C>T (p.Ser380Leu)

Gene: CDK5RAP2 (CDK5 regulatory subunit associated protein 2; minus strand). Cytogenetic location: 9q33.2.
Variant type: single nucleotide variant.
Coding change: c.1139C>T on transcript NM_018249.6 (MANE Select); coding-DNA position 1139, C replaced by T.
Protein change: p.Ser380Leu; replaces serine 380 with leucine.
Molecular consequence: missense variant. On other transcripts: non-coding transcript variant (5).
Genome position (GRCh38, 1-based): chr9:120,518,599, G>A on the plus strand (C>T on the coding strand, the complement: CDK5RAP2 is on the minus strand). VCF-style: chr9-120518599-G-A. GRCh37 (hg19) VCF-style: chr9-123280877-G-A.
Other names: c.1139C>T, p.Ser380Leu (NM_001011649.3, NM_001272039.2); short protein forms S380L.
Identifiers: ClinVar variation 913441 (VCV000913441.6), dbSNP rs376412750, ClinGen allele CA5214489.

ClinVar aggregate classification (germline): Uncertain significance. Review status: criteria provided, multiple submitters, no conflicts (2 of 4 stars). 2 submissions from 2 submitters: Uncertain significance (2). Last evaluated 2024-08-20.

Conditions:
Microcephaly 3, primary, autosomal recessive. Identifiers: Orphanet 2512, MedGen C1858108, MONDO:0011488, OMIM 604804.

Allele frequency attached by ClinVar (database versions not stated): ESP Exome Variant Server 0.00015; TOPMed 0.00007; gnomAD 0.00004 and 0.00003; ExAC 0.00002; gnomAD exomes 0.00004 and 0.00013.
gnomAD v4.1: 195 of 1,613,622 alleles (0.012%); highest among the groups gnomAD compares: Non-Finnish European, 0.016%; no homozygotes.

Submissions (2):

Dasa
Classification: Uncertain significance. Last evaluated: 2024-08-20. Review status: criteria provided, single submitter. Criteria: DASA Assertion Criteria. Collection method: clinical testing. Allele origin: germline.
Comment: NM_018249.6(CDK5RAP2):c.1139C>T (p.Ser380Leu) is a missense variant that results in the substitution of serine with leucine. This variant is rare in population databases. Computational prediction algorithms are consistent with a benign effect. The currently available literature and clinical evidence are not sufficient to establish a definitive association between this variant and the reported condition. Therefore, this variant is classified as a variant of uncertain significance.

Illumina Laboratory Services, Illumina
Classification: Uncertain significance for Microcephaly 3, primary, autosomal recessive. Last evaluated: 2018-01-12. Review status: criteria provided, single submitter. Criteria: ICSL Variant Classification Criteria 13 December 2019. Collection method: clinical testing. Allele origin: germline.